The following is an entry in ClinVar:

ClinVar aggregate classification (germline): Uncertain significance (1 of 4 stars; one submission).

Conditions:
Spinocerebellar ataxia 47 (NEDMSF). Also called: PADDAS SYNDROME; neurodevelopmental disorder with motor abnormalities, seizures, and facial dysmorphism. Identifiers: Orphanet 642747, MedGen C4693672, MONDO:0033482, OMIM 620719.

Allele frequency attached by ClinVar (database versions not stated): TOPMed below 0.00001.
gnomAD v4.1: 2 of 1,608,496 alleles (0.00012%); highest among the groups gnomAD compares: Non-Finnish European, 0.00017%; no homozygotes.

Submission:

Illumina Laboratory Services, Illumina
Classification: Uncertain significance. Last evaluated: 2021-05-19. Review status: criteria provided, single submitter. Criteria: ICSLVariantClassificationCriteria RUGD 01 April 2020. Collection method: clinical testing. Allele origin: unknown.
Comment: The PUM1 c.7G>A (p.Val3Ile) variant is a missense variant. A literature search was performed for the gene, cDNA change, and amino acid change. No publications were found based on this search. This variant is not found in the Genome Aggregation Database (version 2.1.1 or version 3.1.1) despite its location in a region of good sequence coverage, so the variant is presumed to be rare. Based on the limited evidence, the p.Val3Ile variant is classified as a variant of uncertain significance for spinocerebellar ataxia 47.

NM_001020658.2(PUM1):c.7G>A (p.Val3Ile)

Gene: PUM1 (pumilio RNA binding family member 1; minus strand). Cytogenetic location: 1p35.2.
Variant type: single nucleotide variant.
Coding change: c.7G>A on transcript NM_001020658.2 (MANE Select); coding-DNA position 7, G replaced by A.
Protein change: p.Val3Ile; replaces valine 3 with isoleucine.
Molecular consequence: missense variant.
Genome position (GRCh38, 1-based): chr1:31,059,560, C>T on the plus strand (G>A on the coding strand, the complement: PUM1 is on the minus strand). VCF-style: chr1-31059560-C-T. GRCh37 (hg19) VCF-style: chr1-31532407-C-T.
Other names: c.7G>A, p.Val3Ile (NM_014676.3); short protein forms V3I.
Identifiers: ClinVar variation 1328538 (VCV001328538.4), dbSNP rs1187853515, ClinGen allele CA339573193.